The following is an entry in ClinVar:

NM_001987.5(ETV6):c.329-2A>G

Gene: ETV6 (ETS variant transcription factor 6; plus strand). Cytogenetic location: 12p13.2.
Variant type: single nucleotide variant.
Coding change: c.329-2A>G on transcript NM_001987.5 (MANE Select); the canonical splice acceptor site of the intron before coding-DNA position 329, A replaced by G.
Molecular consequence: splice acceptor variant.
Genome position (GRCh38, 1-based): chr12:11,853,425, A>G. VCF-style: chr12-11853425-A-G. GRCh37 (hg19) VCF-style: chr12-12006359-A-G.
Other names: c.302-2A>G (NM_001413914.1); c.329-2A>G (NM_001413917.1, NM_001413916.1); c.326-2A>G (NM_001413913.1); c.65-2A>G (NM_001413915.1).
Identifiers: ClinVar variation 2703976 (VCV002703976.3), dbSNP rs2497981883, ClinGen allele CA384042958.

ClinVar aggregate classification (germline): Likely pathogenic (1 of 4 stars; one submission).

Submission:

Labcorp Genetics (formerly Invitae), Labcorp
Classification: Likely pathogenic. Last evaluated: 2023-12-18. Review status: criteria provided, single submitter. Criteria: Invitae Variant Classification Sherloc (09022015). Collection method: clinical testing. Allele origin: germline.
Comment: This sequence change affects an acceptor splice site in intron 3 of the ETV6 gene. It is expected to disrupt RNA splicing. Variants that disrupt the donor or acceptor splice site typically lead to a loss of protein function (PMID: 16199547), and loss-of-function variants in ETV6 are known to be pathogenic (PMID: 26102509, 27365488, 29034503). This variant is not present in population databases (gnomAD no frequency). This variant has not been reported in the literature in individuals affected with ETV6-related conditions. Algorithms developed to predict the effect of sequence changes on RNA splicing suggest that this variant may disrupt the consensus splice site. In summary, the currently available evidence indicates that the variant is pathogenic, but additional data are needed to prove that conclusively. Therefore, this variant has been classified as Likely Pathogenic.

Literature cited by the submitters: PubMed 16199547; PubMed 26102509; PubMed 27365488; PubMed 29034503.